The following is an entry in ClinVar:

ClinVar aggregate classification (germline): Pathogenic. Review status: reviewed by expert panel (3 of 4 stars). 2 submissions from 2 submitters: Pathogenic (1). 1 of the submissions does not count toward it. Last evaluated 2016-10-18.

Conditions:
Breast-ovarian cancer, familial, susceptibility to, 1 (BROVCA1). Also called: BRCA1 Hereditary Breast and Ovarian Cancer; OVARIAN CANCER, SUSCEPTIBILITY TO. Identifiers: Orphanet 145, MedGen C2676676, MONDO:0011450, OMIM 604370. Disease mechanism: loss of function.

Submissions (2):

Evidence-based Network for the Interpretation of Germline Mutant Alleles (ENIGMA)
Classification: Pathogenic for Breast-ovarian cancer, familial, susceptibility to, 1. Last evaluated: 2016-10-18. Review status: reviewed by expert panel. Criteria: ENIGMA BRCA1/2 Classification Criteria (2015). Collection method: curation. Allele origin: germline.
Comment: Variant allele predicted to encode a truncated non-functional protein.

Consortium of Investigators of Modifiers of BRCA1/2 (CIMBA), c/o University of Cambridge
Classification: Pathogenic for Breast-ovarian cancer, familial, susceptibility to, 1. Last evaluated: 2015-10-02. Review status: criteria provided, single submitter. Criteria: CIMBA Mutation Classification guidelines May 2016. Collection method: clinical testing. Allele origin: germline. Not counted in ClinVar's aggregate classification.

NM_007294.4(BRCA1):c.1174del (p.Leu392fs)

Gene: BRCA1 (BRCA1 DNA repair associated; minus strand). Cytogenetic location: 17q21.31.
Variant type: Deletion.
Coding change: c.1174del on transcript NM_007294.4 (MANE Select); coding-DNA position 1174, one base deleted (C; older notation c.1174delC).
Protein change: p.Leu392fs; shifts the reading frame from leucine 392.
Molecular consequence: frameshift variant. On other transcripts: intron variant (137).
Genome position (GRCh38, 1-based): chr17:43,094,357, G deleted on the plus strand (C on the coding strand, the reverse complement: BRCA1 is on the minus strand). VCF-style (leftmost placement, unchanged base first): chr17-43094356-AG-A. GRCh37 (hg19) VCF-style: chr17-41246373-AG-A.
Other names: 1293delC-ter393; c.1174del, p.Leu392fs (NM_001407858.1, NM_001407859.1, NM_007300.4 and 30 more transcripts); c.1171del, p.Leu391fs (NM_001407860.1, NM_001407861.1, NM_001407587.1 and 22 more transcripts); c.973del, p.Leu325fs (NM_001407862.1); c.1051del, p.Leu351fs (NM_001407863.1, NM_001407919.1, NM_001407937.1 and 19 more transcripts); c.970del, p.Leu324fs (NM_001407874.1, NM_001407875.1); c.964del, p.Leu322fs (NM_001407879.1, NM_001407881.1, NM_001407882.1 and 13 more transcripts); c.961del, p.Leu321fs (NM_001407894.1, NM_001407895.1, NM_001407896.1 and 9 more transcripts); and 42 more; short protein forms L345fs, L392fs, L224fs, L280fs, L321fs, L351fs, L391fs, L303fs.
Identifiers: ClinVar variation 266141 (VCV000266141.6), dbSNP rs886039930, ClinGen allele CA10589963.
Genomic context (GRCh38, chr17:43,094,356, plus strand): 5'-ACATCAGCTACTTTGGCATTTGATTCAGACTCCCCATCATGTGAGTCATCAGAACCTAAC[AG>A]TTCATCACTTCTGGAAAACCACTCATTAACTTTCTGAATGCTGCTATTTAGTGTTATCCA-3'